The following is an entry in ClinVar:

NM_000051.4(ATM):c.1073dup (p.Asn358fs)

Gene: ATM (ATM serine/threonine kinase; plus strand). Cytogenetic location: 11q22.3.
Variant type: Duplication.
Coding change: c.1073dup on transcript NM_000051.4 (MANE Select); coding-DNA position 1073, one base duplicated (A; older notation c.1073dupA).
Protein change: p.Asn358fs; shifts the reading frame from asparagine 358.
Molecular consequence: frameshift variant.
Genome position (GRCh38, 1-based): chr11:108,248,940, A duplicated; the last of 2 consecutive A bases (chr11:108,248,939-108,248,940); duplicating either gives the same sequence. VCF-style (leftmost placement, unchanged base first): chr11-108248938-T-TA. GRCh37 (hg19) VCF-style: chr11-108119665-T-TA.
Other names: c.1073dup (NM_000051.3); c.1073dup, p.Asn358fs (NM_001351834.2); short protein forms N358fs.
Identifiers: ClinVar variation 822123 (VCV000822123.12), dbSNP rs1591517182, ClinGen allele CA915947733.

ClinVar aggregate classification (germline): Pathogenic. Review status: criteria provided, multiple submitters, no conflicts (2 of 4 stars). 3 submissions from 3 submitters: Pathogenic (3). Last evaluated 2024-01-12.

Conditions:
Ataxia-telangiectasia syndrome (AT). Also called: Cerebello-oculocutaneous telangiectasia; Immunodeficiency with ataxia telangiectasia; Ataxia-telangiectasia, complementation group E; Ataxia-telangiectasia, complementation group D; AT, COMPLEMENTATION GROUP C; ATAXIA-TELANGIECTASIA, COMPLEMENTATION GROUP A. Identifiers: Orphanet 100, MedGen C0004135, MONDO:0008840, OMIM 208900.
Hereditary cancer-predisposing syndrome. Also called: Hereditary Cancer Syndrome; Neoplastic Syndromes, Hereditary; Hereditary neoplastic syndrome; Tumor predisposition. Identifiers: Orphanet 140162, MedGen C0027672, MeSH D009386, MONDO:0015356.
Familial cancer of breast. Also called: Hereditary breast cancer; hereditary breast carcinoma; BREAST CANCER, FAMILIAL. Identifiers: Orphanet 227535, MedGen C0346153, MONDO:0016419, OMIM 114480. Disease mechanism: loss of function.

Submissions (3):

Myriad Genetics, Inc.
Classification: Pathogenic for Familial cancer of breast. Last evaluated: 2024-01-12. Review status: criteria provided, single submitter. Criteria: Myriad Autosomal Dominant, Autosomal Recessive and X-Linked Classification Criteria (2023). Collection method: clinical testing. Allele origin: unknown.
Comment: This variant is considered pathogenic. This variant creates a frameshift predicted to result in premature protein truncation.

Labcorp Genetics (formerly Invitae), Labcorp
Classification: Pathogenic for Ataxia-telangiectasia syndrome. Last evaluated: 2023-12-07. Review status: criteria provided, single submitter. Criteria: Invitae Variant Classification Sherloc (09022015). Collection method: clinical testing. Allele origin: germline.
Comment: This sequence change creates a premature translational stop signal (p.Asn358Lysfs*2) in the ATM gene. It is expected to result in an absent or disrupted protein product. Loss-of-function variants in ATM are known to be pathogenic (PMID: 23807571, 25614872). This variant is not present in population databases (gnomAD no frequency). This variant has not been reported in the literature in individuals affected with ATM-related conditions. ClinVar contains an entry for this variant (Variation ID: 822123). For these reasons, this variant has been classified as Pathogenic.

Ambry Genetics
Classification: Pathogenic for Hereditary cancer-predisposing syndrome. Last evaluated: 2022-02-14. Review status: criteria provided, single submitter. Criteria: Ambry Variant Classification Scheme 2023. Collection method: clinical testing. Allele origin: germline.
Comment: The c.1073dupA pathogenic mutation, located in coding exon 8 of the ATM gene, results from a duplication of A at nucleotide position 1073, causing a translational frameshift with a predicted alternate stop codon (p.N358Kfs*2). This variant is considered to be rare based on population cohorts in the Genome Aggregation Database (gnomAD). This alteration is expected to result in loss of function by premature protein truncation or nonsense-mediated mRNA decay. As such, this alteration is interpreted as a disease-causing mutation.

Literature cited by the submitters: PubMed 23807571 (cited by Labcorp Genetics (formerly Invitae), Labcorp); PubMed 25614872 (cited by Labcorp Genetics (formerly Invitae), Labcorp).